The following is an entry in ClinVar:

ClinVar aggregate classification (germline): Uncertain significance (1 of 4 stars; one submission).

Submission:

GeneDx
Classification: Uncertain significance. Last evaluated: 2025-06-09. Review status: criteria provided, single submitter. Criteria: GeneDx Variant Classification Process June 2021. Collection method: clinical testing. Allele origin: germline. Affected: yes.
Comment: Not observed at significant frequency in large population cohorts (gnomAD); In silico analysis supports that this missense variant has a deleterious effect on protein structure/function; Has not been previously published as pathogenic or benign to our knowledge

NM_001130021.3(ATP6V0A1):c.1255T>G (p.Phe419Val)

Gene: ATP6V0A1 (ATPase H+ transporting V0 subunit a1; plus strand). Cytogenetic location: 17q21.2.
Variant type: single nucleotide variant.
Coding change: c.1255T>G on transcript NM_001130021.3 (MANE Select); coding-DNA position 1255, T replaced by G.
Protein change: p.Phe419Val; replaces phenylalanine 419 with valine.
Molecular consequence: missense variant.
Genome position (GRCh38, 1-based): chr17:42,494,414, T>G. VCF-style: chr17-42494414-T-G. GRCh37 (hg19) VCF-style: chr17-40646432-T-G.
Other names: c.1276T>G, p.Phe426Val (NM_001130020.3, NM_001378522.1, NM_001378523.1 and 3 more transcripts); c.1378T>G, p.Phe460Val (NM_001378530.1, NM_001378533.1, NM_001378551.1 and 1 more transcripts); c.1399T>G, p.Phe467Val (NM_001378531.1, NM_001378532.1); c.1255T>G, p.Phe419Val (NM_001378535.1, NM_001378537.1, NM_001378542.1 and 4 more transcripts); c.1147T>G, p.Phe383Val (NM_001378536.1, NM_001378550.1, NM_001378556.1); c.1126T>G, p.Phe376Val (NM_001378538.1, NM_001378540.1); c.1096T>G, p.Phe366Val (NM_001378543.1); c.1045T>G, p.Phe349Val (NM_001378545.1, NM_001378554.1); and 2 more; short protein forms F348V, F349V, F359V, F366V, F376V, F383V, F419V, F426V.
Identifiers: ClinVar variation 4537568 (VCV004537568.1).